The following is an entry in ClinVar:

ClinVar aggregate classification (germline): Uncertain significance (1 of 4 stars; one submission).

Allele frequency attached by ClinVar (database versions not stated): gnomAD exomes below 0.00001; gnomAD 0.00001; TOPMed 0.00001.

Submission:

Labcorp Genetics (formerly Invitae), Labcorp
Classification: Uncertain significance. Last evaluated: 2023-11-11. Review status: criteria provided, single submitter. Criteria: Invitae Variant Classification Sherloc (09022015). Collection method: clinical testing. Allele origin: germline.
Comment: This sequence change falls in intron 34 of the CAD gene. It does not directly change the encoded amino acid sequence of the CAD protein. It affects a nucleotide within the consensus splice site. This variant is not present in population databases (gnomAD no frequency). This variant has not been reported in the literature in individuals affected with CAD-related conditions. Variants that disrupt the consensus splice site are a relatively common cause of aberrant splicing (PMID: 17576681, 9536098). Algorithms developed to predict the effect of sequence changes on RNA splicing suggest that this variant is not likely to affect RNA splicing. In summary, the available evidence is currently insufficient to determine the role of this variant in disease. Therefore, it has been classified as a Variant of Uncertain Significance.

Literature cited by the submitters: PubMed 17576681; PubMed 9536098.

NM_004341.5(CAD):c.5496+6C>G

Gene: CAD (carbamoyl-phosphate synthetase 2, aspartate transcarbamylase, and dihydroorotase; plus strand). Cytogenetic location: 2p23.3.
Variant type: single nucleotide variant.
Coding change: c.5496+6C>G on transcript NM_004341.5 (MANE Select); 6 bases into the intron after coding-DNA position 5496, C replaced by G.
Molecular consequence: intron variant.
Genome position (GRCh38, 1-based): chr2:27,239,804, C>G. VCF-style: chr2-27239804-C-G. GRCh37 (hg19) VCF-style: chr2-27462672-C-G.
Other names: c.5307+6C>G (NM_001306079.2).
Identifiers: ClinVar variation 2788954 (VCV002788954.3), dbSNP rs1343075841, ClinGen allele CA767322231.
Genomic context (GRCh38, chr2:27,239,804, plus strand): 5'-GGGGGCTGTTCCTCAGCTCCCACCCTCAGCCCCTGCCACTAGTGAGATGACCACGGTATC[C>G]ACACTACTGGGCTAGGGGGCTGGGAGGTGTTAGTCTCAGGGCAGGATGAACAGCTTGAAC-3'